The following is an entry in ClinVar:

NM_001166108.2(PALLD):c.1768C>G (p.Pro590Ala)

Gene: PALLD (palladin, cytoskeletal associated protein; plus strand). Cytogenetic location: 4q32.3.
Variant type: single nucleotide variant.
Coding change: c.1768C>G on transcript NM_001166108.2 (MANE Select); coding-DNA position 1768, C replaced by G.
Protein change: p.Pro590Ala; replaces proline 590 with alanine.
Molecular consequence: missense variant.
Genome position (GRCh38, 1-based): chr4:168,711,727, C>G. VCF-style: chr4-168711727-C-G. GRCh37 (hg19) VCF-style: chr4-169632878-C-G.
Other names: c.622C>G, p.Pro208Ala (NM_001166109.2); c.1768C>G, p.Pro590Ala (NM_016081.4); short protein forms P590A, P208A.
Identifiers: ClinVar variation 2560475 (VCV002560475.2), dbSNP rs1784856136, ClinGen allele CA358798189.

ClinVar aggregate classification (germline): Uncertain significance (1 of 4 stars; one submission).

Allele frequency attached by ClinVar (database versions not stated): gnomAD exomes below 0.00001; TOPMed below 0.00001.
gnomAD v4.1: 2 of 1,614,136 alleles (0.00012%); highest among the groups gnomAD compares: Non-Finnish European, 0.00017%; no homozygotes.

Submission:

Ambry Genetics
Classification: Uncertain significance. Last evaluated: 2023-05-28. Review status: criteria provided, single submitter. Criteria: Ambry Variant Classification Scheme 2023. Collection method: clinical testing. Allele origin: germline.
Comment: The p.P590A variant (also known as c.1768C>G), located in coding exon 9 of the PALLD gene, results from a C to G substitution at nucleotide position 1768. The proline at codon 590 is replaced by alanine, an amino acid with highly similar properties. This amino acid position is conserved. In addition, this alteration is predicted to be tolerated by in silico analysis. Since supporting evidence is limited at this time, the clinical significance of this alteration remains unclear.